The following is an entry in ClinVar:

NM_033380.3(COL4A5):c.2447del (p.Pro816fs)

Gene: COL4A5 (collagen type IV alpha 5 chain; plus strand). Cytogenetic location: Xq22.3.
Variant type: Deletion.
Coding change: c.2447del on transcript NM_033380.3 (MANE Select); coding-DNA position 2447, one base deleted (C; older notation c.2447delC).
Protein change: p.Pro816fs; shifts the reading frame from proline 816.
Molecular consequence: frameshift variant.
Genome position (GRCh38, 1-based): chrX:108,614,962, C deleted; the last of 2 consecutive C bases (chrX:108,614,961-108,614,962); deleting either gives the same sequence. VCF-style (leftmost placement, unchanged base first): chrX-108614960-GC-G. GRCh37 (hg19) VCF-style: chrX-107858190-GC-G.
Other names: c.2447del, p.Pro816fs (NM_000495.5); short protein forms P816fs.
Identifiers: ClinVar variation 2103821 (VCV002103821.4), dbSNP rs2524375517, ClinGen allele CA2580100164.

ClinVar aggregate classification (germline): Pathogenic (1 of 4 stars; one submission).

Submission:

Labcorp Genetics (formerly Invitae), Labcorp
Classification: Pathogenic. Last evaluated: 2022-03-10. Review status: criteria provided, single submitter. Criteria: Invitae Variant Classification Sherloc (09022015). Collection method: clinical testing. Allele origin: germline.
Comment: For these reasons, this variant has been classified as Pathogenic. This variant has not been reported in the literature in individuals affected with COL4A5-related conditions. This variant is not present in population databases (gnomAD no frequency). This sequence change creates a premature translational stop signal (p.Pro816Glnfs*3) in the COL4A5 gene. It is expected to result in an absent or disrupted protein product. Loss-of-function variants in COL4A5 are known to be pathogenic (PMID: 9195222, 10752524, 14514738, 24854265, 26809805).

Literature cited by the submitters: PubMed 9195222; PubMed 10752524; PubMed 14514738; PubMed 24854265; PubMed 26809805.